The following is an entry in ClinVar:

ClinVar aggregate classification (germline): Uncertain significance (1 of 4 stars; one submission).

Allele frequency attached by ClinVar (database versions not stated): gnomAD 0.00001.
gnomAD v4.1: 1 of 1,567,996 alleles (0.000064%); highest among the groups gnomAD compares: Admixed American, 0.0018%; no homozygotes.

Submission:

Labcorp Genetics (formerly Invitae), Labcorp
Classification: Uncertain significance. Last evaluated: 2022-03-14. Review status: criteria provided, single submitter. Criteria: Invitae Variant Classification Sherloc (09022015). Collection method: clinical testing. Allele origin: germline.
Comment: In summary, the available evidence is currently insufficient to determine the role of this variant in disease. Therefore, it has been classified as a Variant of Uncertain Significance. Algorithms developed to predict the effect of missense changes on protein structure and function (SIFT, PolyPhen-2, Align-GVGD) all suggest that this variant is likely to be tolerated. This variant has not been reported in the literature in individuals affected with RXYLT1-related conditions. This variant is not present in population databases (gnomAD no frequency). This sequence change replaces lysine, which is basic and polar, with arginine, which is basic and polar, at codon 45 of the RXYLT1 protein (p.Lys45Arg).

NM_014254.3(RXYLT1):c.134A>G (p.Lys45Arg)

Gene: RXYLT1 (ribitol xylosyltransferase 1; plus strand). Cytogenetic location: 12q14.2.
Variant type: single nucleotide variant.
Coding change: c.134A>G on transcript NM_014254.3 (MANE Select); coding-DNA position 134, A replaced by G.
Protein change: p.Lys45Arg; replaces lysine 45 with arginine.
Molecular consequence: missense variant. On other transcripts: 5 prime UTR variant (1).
Genome position (GRCh38, 1-based): chr12:63,780,094, A>G. VCF-style: chr12-63780094-A-G. GRCh37 (hg19) VCF-style: chr12-64173874-A-G.
Other names: c.-980A>G (NM_001278237.2); short protein forms K45R.
Identifiers: ClinVar variation 1902935 (VCV001902935.5), dbSNP rs1251418728, ClinGen allele CA385583992.